The following is an entry in ClinVar:

NM_000252.3(MTM1):c.646_647insACTGTCTC (p.Val216fs)

Gene: MTM1 (myotubularin 1; plus strand). Cytogenetic location: Xq28.
Variant type: Insertion.
Coding change: c.646_647insACTGTCTC on transcript NM_000252.3 (MANE Select); coding-DNA positions 646 to 647, ACTGTCTC inserted.
Protein change: p.Val216fs; shifts the reading frame from valine 216.
Molecular consequence: frameshift variant.
Genome position: GRCh38 VCF-style: chrX-150641386-G-GACTGTCTC. GRCh37 (hg19) VCF-style: chrX-149809859-G-GACTGTCTC.
Other names: c.646_647insACTGTCTC, p.Val216fs (NM_001376906.1, NM_001376908.1); c.535_536insACTGTCTC, p.Val179fs (NM_001376907.1); short protein forms V179fs, V216fs.
Identifiers: ClinVar variation 5011437 (VCV005011437.1).

ClinVar aggregate classification (germline): Pathogenic (1 of 4 stars; one submission).

Conditions:
Severe X-linked myotubular myopathy (CNMX). Also called: X-linked centronuclear myopathy; MYOTUBULAR MYOPATHY 1; Myotubular myopathy, X-linked. Identifiers: Orphanet 596, MedGen C0410203, MONDO:0010683, OMIM 310400.

Submission:

Myriad Genetics, Inc.
Classification: Pathogenic for Severe X-linked myotubular myopathy. Last evaluated: 2023-08-21. Review status: criteria provided, single submitter. Criteria: Myriad Autosomal Dominant, Autosomal Recessive and X-Linked Classification Criteria (2023). Collection method: clinical testing. Allele origin: unknown.
Comment: NM_000252.2(MTM1):c.646_647ins8(V216Dfs*37) is expected to be pathogenic in the context of X-linked myotubular myopathy. This variant is predicted to lead to an abnormal or absent protein product due to the creation of a premature termination codon in MTM1, a gene where loss-of-function variants are known to be pathogenic. Please note: this variant was assessed in the context of healthy population screening.